The following is an entry in ClinVar:

NM_000129.4(F13A1):c.1419T>C (p.Asp473=)

Gene: F13A1 (coagulation factor XIII A chain; minus strand). Cytogenetic location: 6p25.1.
Variant type: single nucleotide variant.
Coding change: c.1419T>C on transcript NM_000129.4 (MANE Select); coding-DNA position 1419, T replaced by C.
Protein change: p.Asp473=; no amino-acid change (aspartic acid 473 retained).
Molecular consequence: synonymous variant.
Genome position (GRCh38, 1-based): chr6:6,182,028, A>G on the plus strand (T>C on the coding strand, the complement: F13A1 is on the minus strand). VCF-style: chr6-6182028-A-G. GRCh37 (hg19) VCF-style: chr6-6182261-A-G.
Identifiers: ClinVar variation 3038012 (VCV003038012.2), dbSNP rs3024438, ClinGen allele CA3624357.

ClinVar aggregate classification (germline): Likely benign (0 of 4 stars; one submission).

Conditions:
F13A1-related disorder. Also called: F13A1-related condition.

Allele frequency attached by ClinVar (database versions not stated): gnomAD exomes 0.00008; ExAC 0.00028; ESP Exome Variant Server 0.00085; gnomAD 0.00094; TOPMed 0.00105; 1000 Genomes Project 0.00120; 1000 Genomes Project 30x 0.00125.
gnomAD v4.1: 268 of 1,614,200 alleles (0.017%); highest among the groups gnomAD compares: African/African-American, 0.33%; 1 homozygote.

Submission:

PreventionGenetics, part of Exact Sciences
Classification: Likely benign for F13A1-related condition. Last evaluated: 2020-01-02. Review status: no assertion criteria provided. Collection method: clinical testing. Allele origin: germline.
Comment: This variant is classified as likely benign based on ACMG/AMP sequence variant interpretation guidelines (Richards et al. 2015 PMID: 25741868, with internal and published modifications).